The following is an entry in ClinVar:

NM_000051.4(ATM):c.3567del (p.Leu1189_Val1190insTer)

Gene: ATM (ATM serine/threonine kinase; plus strand). Cytogenetic location: 11q22.3.
Variant type: Deletion.
Coding change: c.3567del on transcript NM_000051.4 (MANE Select); coding-DNA position 3567, one base deleted (T; older notation c.3567delT).
Protein change: p.Leu1189_Val1190insTer.
Molecular consequence: frameshift variant.
Genome position (GRCh38, 1-based): chr11:108,281,159, T deleted; the last of 2 consecutive T bases (chr11:108,281,158-108,281,159); deleting either gives the same sequence. VCF-style (leftmost placement, unchanged base first): chr11-108281157-CT-C. GRCh37 (hg19) VCF-style: chr11-108151884-CT-C.
Other names: c.3567del, p.Leu1189_Val1190insTer (NM_001351834.2); c.3567delT (NM_000051.3).
Identifiers: ClinVar variation 546687 (VCV000546687.49), dbSNP rs1555091431, ClinGen allele CA658822193.

ClinVar aggregate classification (germline): Conflicting classifications of pathogenicity. Review status: criteria provided, conflicting classifications (1 of 4 stars). 3 submissions from 3 submitters: Pathogenic (1); Likely pathogenic (1); Uncertain significance (1). Last evaluated 2024-01-13.

Conditions:
Ataxia-telangiectasia syndrome (AT). Also called: LOUIS-BAR SYNDROME; Cerebello-oculocutaneous telangiectasia; Immunodeficiency with ataxia telangiectasia; Ataxia-telangiectasia, complementation group D; AT, COMPLEMENTATION GROUP C; ATAXIA-TELANGIECTASIA, COMPLEMENTATION GROUP A. Identifiers: Orphanet 100, MedGen C0004135, MONDO:0008840, OMIM 208900.

Submissions (3):

Labcorp Genetics (formerly Invitae), Labcorp
Classification: Pathogenic for Ataxia-telangiectasia syndrome. Last evaluated: 2024-01-13. Review status: criteria provided, single submitter. Criteria: Invitae Variant Classification Sherloc (09022015). Collection method: clinical testing. Allele origin: germline.
Comment: This sequence change creates a premature translational stop signal (p.Val1190*) in the ATM gene. It is expected to result in an absent or disrupted protein product. Loss-of-function variants in ATM are known to be pathogenic (PMID: 23807571, 25614872). This variant is not present in population databases (gnomAD no frequency). This premature translational stop signal has been observed in individual(s) with ataxia-telangiectasia (PMID: 33084218). ClinVar contains an entry for this variant (Variation ID: 546687). Algorithms developed to predict the effect of sequence changes on RNA splicing suggest that this variant may disrupt the consensus splice site. For these reasons, this variant has been classified as Pathogenic.

CeGaT Center for Human Genetics Tuebingen
Classification: Likely pathogenic. Last evaluated: 2017-11-01. Review status: criteria provided, single submitter. Criteria: CeGaT Center For Human Genetics Tuebingen Variant Classification Criteria Version 2. Collection method: clinical testing. Allele origin: germline. Affected: yes. Observed: 1 variant allele.

Consultorio y Laboratorio de Neurogenética, Hospital JM Ramos Mejia
Classification: Uncertain significance for Ataxia-telangiectasia syndrome. Review status: criteria provided, single submitter. Criteria: Perez et al. (J Hum Genet. 2020). Collection method: clinical testing. Allele origin: unknown. Inheritance: Autosomal recessive inheritance. Affected: yes. Observed: 1 heterozygote.

Literature cited by the submitters: PubMed 23807571 (cited by Labcorp Genetics (formerly Invitae), Labcorp); PubMed 25614872 (cited by Labcorp Genetics (formerly Invitae), Labcorp); PubMed 33084218 (cited by Labcorp Genetics (formerly Invitae), Labcorp).